The following is an entry in ClinVar:

NM_001330288.2(SMARCC2):c.3487C>T (p.Pro1163Ser)

Gene: SMARCC2 (SWI/SNF related BAF chromatin remodeling complex subunit C2; minus strand). Cytogenetic location: 12q13.2.
Variant type: single nucleotide variant.
Coding change: c.3487C>T on transcript NM_001330288.2 (MANE Select); coding-DNA position 3487, C replaced by T.
Protein change: p.Pro1163Ser; replaces proline 1163 with serine.
Molecular consequence: missense variant. On other transcripts: intron variant (2).
Genome position (GRCh38, 1-based): chr12:56,164,477, G>A on the plus strand (C>T on the coding strand, the complement: SMARCC2 is on the minus strand). VCF-style: chr12-56164477-G-A. GRCh37 (hg19) VCF-style: chr12-56558261-G-A.
Other names: c.3394C>T, p.Pro1132Ser (NM_003075.5); c.3316+171C>T (NM_139067.4); c.3317-109C>T (NM_001130420.3); short protein forms P1132S, P1163S.
Identifiers: ClinVar variation 3250721 (VCV003250721.18), dbSNP rs765563599.
Genomic context (GRCh38, chr12:56,164,477, plus strand): 5'-TGGTGGTCGCCGGCAGGTTAGGATGTAGAGGGTTCGCCATGGACACAGGCAGGTTAGGTG[G>A]GGGGAGAGTGCCCGGGGCGAACGGGAGATGGTGGTGATGCCCATGCAGGTTAGGAGGAGC-3'
Protein context (NP_001317217.1, residues 1153-1173): HLPFAPGTLP[Pro1163Ser]PNLPVSMANP

ClinVar aggregate classification (germline): Uncertain significance (1 of 4 stars; one submission).

Submission:

CeGaT Center for Human Genetics Tuebingen
Classification: Uncertain significance. Last evaluated: 2024-06-01. Review status: criteria provided, single submitter. Criteria: CeGaT Center For Human Genetics Tuebingen Variant Classification Criteria Version 2. Collection method: clinical testing. Allele origin: germline. Affected: yes. Observed: 1 variant allele.
Comment: SMARCC2: PM2